The following is an entry in ClinVar:

NM_006904.7(PRKDC):c.5963A>T (p.Tyr1988Phe)

Gene: PRKDC (protein kinase, DNA-activated, catalytic subunit; minus strand). Cytogenetic location: 8q11.21.
Variant type: single nucleotide variant.
Coding change: c.5963A>T on transcript NM_006904.7 (MANE Select); coding-DNA position 5963, A replaced by T.
Protein change: p.Tyr1988Phe; replaces tyrosine 1988 with phenylalanine.
Molecular consequence: missense variant.
Genome position (GRCh38, 1-based): chr8:47,862,084, T>A on the plus strand (A>T on the coding strand, the complement: PRKDC is on the minus strand). VCF-style: chr8-47862084-T-A. GRCh37 (hg19) VCF-style: chr8-48774645-T-A.
Other names: c.5963A>T, p.Tyr1988Phe (NM_001081640.2); short protein forms Y1988F.
Identifiers: ClinVar variation 1010248 (VCV001010248.7), dbSNP rs1187674610, ClinGen allele CA371161906.
Genomic context (GRCh38, chr8:47,862,084, plus strand): 5'-CTTGATAAGTTTTTTTTAACATTGAAAATTTCACTCACCTCAACTTCTACAGGAAAATTA[T>A]AGCGGCGCTTCAGGTCGATCAGATTTTCAAAAATAAGCAAGTTCTGTGAATACAAAGAAT-3'
Protein context (NP_008835.5, residues 1978-1998): FENLIDLKRR[Tyr1988Phe]NFPVEVEVPM

ClinVar aggregate classification (germline): Uncertain significance (1 of 4 stars; one submission).

Conditions:
Severe combined immunodeficiency due to DNA-PKcs deficiency. Also called: IMMUNODEFICIENCY 26 WITH NEUROLOGIC ABNORMALITIES; Immunodeficiency 26 with or without neurologic abnormalities. Identifiers: Orphanet 317425, MedGen C4014833, MONDO:0014423, OMIM 615966.

gnomAD v4.1: 3 of 1,553,882 alleles (0.00019%); highest among the groups gnomAD compares: Middle Eastern, 0.017%; no homozygotes.

Submission:

Labcorp Genetics (formerly Invitae), Labcorp
Classification: Uncertain significance for Severe combined immunodeficiency due to DNA-PKcs deficiency. Last evaluated: 2024-02-27. Review status: criteria provided, single submitter. Criteria: Invitae Variant Classification Sherloc (09022015). Collection method: clinical testing. Allele origin: germline.
Comment: This sequence change replaces tyrosine, which is neutral and polar, with phenylalanine, which is neutral and non-polar, at codon 1988 of the PRKDC protein (p.Tyr1988Phe). This variant is not present in population databases (gnomAD no frequency). This variant has not been reported in the literature in individuals affected with PRKDC-related conditions. ClinVar contains an entry for this variant (Variation ID: 1010248). Advanced modeling of protein sequence and biophysical properties (such as structural, functional, and spatial information, amino acid conservation, physicochemical variation, residue mobility, and thermodynamic stability) performed at Invitae indicates that this missense variant is expected to disrupt PRKDC protein function with a positive predictive value of 80%. In summary, the available evidence is currently insufficient to determine the role of this variant in disease. Therefore, it has been classified as a Variant of Uncertain Significance.